The following is an entry in ClinVar:

ClinVar aggregate classification (germline): Pathogenic (1 of 4 stars; one submission).

Conditions:
Mucolipidosis type II. Also called: ML II ALPHA/BETA; Mucolipidosis 2; ML 2; Inclusion cell disease; Leroy Disease; N-acetylglucosamine 1phosphotransferase deficiency. Identifiers: Orphanet 576, MedGen C2673377, MONDO:0009650, OMIM 252500.

Submission:

Natera, Inc.
Classification: Pathogenic for Mucolipidosis type II. Last evaluated: 2024-04-17. Review status: criteria provided, single submitter. Criteria: Natera Variant Classification Schema (03/2026). Collection method: clinical testing. Allele origin: germline.
Comment: The c.2644C>T variant in GNPTAB is a nonsense variant predicted to introduce a stop codon at amino acid 882. This variant is expected to result in nonsense mediated decay, truncation, or a dysfunctional protein product. This variant is rare in the general population with a frequency below the threshold expected for the associated phenotype(s). This variant has been observed in one or more individuals affected with the associated recessive disease, as either homozygous or compound heterozygous with a second variant (PMID: 29872134). Given the available evidence, this variant is classified as Pathogenic.

Literature cited by the submitters: PubMed 29872134.

NM_024312.5(GNPTAB):c.2644C>T (p.Gln882Ter)

Gene: GNPTAB (N-acetylglucosamine-1-phosphate transferase subunits alpha and beta; minus strand). Cytogenetic location: 12q23.2.
Variant type: single nucleotide variant.
Coding change: c.2644C>T on transcript NM_024312.5 (MANE Select); coding-DNA position 2644, C replaced by T.
Protein change: p.Gln882Ter; replaces glutamine 882 with a stop codon.
Molecular consequence: nonsense.
Genome position (GRCh38, 1-based): chr12:101,764,273, G>A on the plus strand (C>T on the coding strand, the complement: GNPTAB is on the minus strand). VCF-style: chr12-101764273-G-A. GRCh37 (hg19) VCF-style: chr12-102158051-G-A.
Other names: short protein forms Q882*.
Identifiers: ClinVar variation 4816144 (VCV004816144.1).
Genomic context (GRCh38, chr12:101,764,273, plus strand): 5'-CTTGGAAATACTTTTTTTTCTCCCATGGCAAAAAGCCCAAGTAACTATCTGTGTAATGCT[G>A]CAGCTTTCTTCCAAGTAACACTTCAGTAACGCCTATGTGATTTTCAGCATTTTCCTCCAT-3'